The following is an entry in ClinVar:

NM_000428.3(LTBP2):c.4911C>T (p.Asn1637=)

Gene: LTBP2 (latent transforming growth factor beta binding protein 2; minus strand). Cytogenetic location: 14q24.3.
Variant type: single nucleotide variant.
Coding change: c.4911C>T on transcript NM_000428.3 (MANE Select); coding-DNA position 4911, C replaced by T.
Protein change: p.Asn1637=; no amino-acid change (asparagine 1637 retained).
Molecular consequence: synonymous variant.
Genome position (GRCh38, 1-based): chr14:74,502,912, G>A on the plus strand (C>T on the coding strand, the complement: LTBP2 is on the minus strand). VCF-style: chr14-74502912-G-A. GRCh37 (hg19) VCF-style: chr14-74969615-G-A.
Identifiers: ClinVar variation 732225 (VCV000732225.15), dbSNP rs12586758, ClinGen allele CA7268586.
Genomic context (GRCh38, chr14:74,502,912, plus strand): 5'-ATACTCATAGCCTGGCCGGAAGTGGACCCCGGCCTCCCGCTCTGCCTCAATGCGAGCCAC[G>A]TTGCACAGCTGAGCATAGACCTCTGTCAGGGAGGAGGGAGAGAAGGAGCTGGGTTCTAGC-3'
Protein context (NP_000419.1, residues 1627-1647): RSSEVYAQLC[Asn1637=]VARIEAEREA

ClinVar aggregate classification (germline): Benign/Likely benign. Review status: criteria provided, multiple submitters, no conflicts (2 of 4 stars). 4 submissions from 3 submitters: Benign (2); Likely benign (1). 1 of the submissions does not count toward it. Last evaluated 2026-02-02.

Conditions:
Weill-Marchesani syndrome. Also called: WM Syndrome; Mesodermal dysmorphodystrophy congenital. Identifiers: Orphanet 3449, MedGen C0265313, MONDO:0018096.
Glaucoma 3, primary congenital, D. Identifiers: Orphanet 98976, MedGen C2751316, MONDO:0013122, OMIM 613086.
LTBP2-related disorder. Also called: LTBP2-related condition; LTBP2-related disorders.

Allele frequency attached by ClinVar (database versions not stated): gnomAD exomes 0.00071 and 0.00232; gnomAD 0.00074 and 0.00113; TOPMed 0.00142; ExAC 0.00230; 1000 Genomes Project 30x 0.00468; 1000 Genomes Project 0.00539.
gnomAD v4.1: 1,213 of 1,612,468 alleles (0.075%); highest among the groups gnomAD compares: East Asian, 2.3%; 21 homozygotes.

Submissions (4):

Labcorp Genetics (formerly Invitae), Labcorp
Classification: Benign. Last evaluated: 2026-02-02. Review status: criteria provided, single submitter. Criteria: Invitae Variant Classification Sherloc (09022015). Collection method: clinical testing. Allele origin: germline.

Illumina Laboratory Services, Illumina
Classification: Likely benign for Glaucoma 3, primary congenital, D. Last evaluated: 2018-01-12. Review status: criteria provided, single submitter. Criteria: ICSL Variant Classification Criteria 13 December 2019. Collection method: clinical testing. Allele origin: germline.
Comment: This variant was observed in the ICSL laboratory as part of a predisposition screen in an ostensibly healthy population. It had not been previously curated by ICSL or reported in the Human Gene Mutation Database (HGMD: prior to June 1st, 2018), and was therefore a candidate for classification through an automated scoring system. Utilizing variant allele frequency, disease prevalence and penetrance estimates, and inheritance mode, an automated score was calculated to assess if this variant is too frequent to cause the disease. Based on the score and internal cut-off values, a variant classified as likely benign is not then subjected to further curation. The score for this variant resulted in a classification of likely benign for this disease.

Illumina Laboratory Services, Illumina
Classification: Benign for Weill-Marchesani syndrome. Last evaluated: 2018-01-12. Review status: criteria provided, single submitter. Criteria: ICSL Variant Classification Criteria 13 December 2019. Collection method: clinical testing. Allele origin: germline.
Comment: This variant was observed in the ICSL laboratory as part of a predisposition screen in an ostensibly healthy population. It had not been previously curated by ICSL or reported in the Human Gene Mutation Database (HGMD: prior to June 1st, 2018), and was therefore a candidate for classification through an automated scoring system. Utilizing variant allele frequency, disease prevalence and penetrance estimates, and inheritance mode, an automated score was calculated to assess if this variant is too frequent to cause the disease. Based on the score and internal cut-off values, a variant classified as benign is not then subjected to further curation. The score for this variant resulted in a classification of benign for this disease.

PreventionGenetics, part of Exact Sciences
Classification: Benign for LTBP2-related condition. Last evaluated: 2024-07-29. Review status: no assertion criteria provided. Collection method: clinical testing. Allele origin: germline. Not counted in ClinVar's aggregate classification.
Comment: This variant is classified as benign based on ACMG/AMP sequence variant interpretation guidelines (Richards et al. 2015 PMID: 25741868, with internal and published modifications).